The following is an entry in ClinVar:

NM_024675.4(PALB2):c.1563C>G (p.Thr521=)

Gene: PALB2 (partner and localizer of BRCA2; minus strand). Cytogenetic location: 16p12.2.
Variant type: single nucleotide variant.
Coding change: c.1563C>G on transcript NM_024675.4 (MANE Select); coding-DNA position 1563, C replaced by G.
Protein change: p.Thr521=; no amino-acid change (threonine 521 retained).
Molecular consequence: synonymous variant.
Genome position (GRCh38, 1-based): chr16:23,634,983, G>C on the plus strand (C>G on the coding strand, the complement: PALB2 is on the minus strand). VCF-style: chr16-23634983-G-C. GRCh37 (hg19) VCF-style: chr16-23646304-G-C.
Identifiers: ClinVar variation 219591 (VCV000219591.20), dbSNP rs864622170, ClinGen allele CA349813.

ClinVar aggregate classification (germline): Benign/Likely benign. Review status: criteria provided, multiple submitters, no conflicts (2 of 4 stars). 4 submissions from 4 submitters: Benign (1); Likely benign (3). Last evaluated 2025-10-01.

Conditions:
Hereditary cancer-predisposing syndrome. Also called: Hereditary neoplastic syndrome; Tumor predisposition; Hereditary Cancer Syndrome; Neoplastic Syndromes, Hereditary. Identifiers: Orphanet 140162, MedGen C0027672, MeSH D009386, MONDO:0015356.
Familial cancer of breast. Also called: hereditary breast carcinoma; Hereditary breast cancer; BREAST CANCER, FAMILIAL. Identifiers: Orphanet 227535, MedGen C0346153, MONDO:0016419, OMIM 114480. Disease mechanism: loss of function.

Allele frequency attached by ClinVar (database versions not stated): gnomAD 0.00001; TOPMed 0.00001.
gnomAD v4.1: 1 of 1,614,044 alleles (0.000062%); highest among the groups gnomAD compares: African/African-American, 0.0013%; no homozygotes.

Submissions (4):

Labcorp Genetics (formerly Invitae), Labcorp
Classification: Likely benign for Familial cancer of breast. Last evaluated: 2025-10-01. Review status: criteria provided, single submitter. Criteria: Invitae Variant Classification Sherloc (09022015). Collection method: clinical testing. Allele origin: germline.

Myriad Genetics, Inc.
Classification: Benign for Familial cancer of breast. Last evaluated: 2025-01-14. Review status: criteria provided, single submitter. Criteria: Myriad Autosomal Dominant, Autosomal Recessive and X-Linked Classification Criteria (2023). Collection method: clinical testing. Allele origin: unknown.
Comment: This variant is considered benign. This variant is a silent/synonymous amino acid change and it is not expected to impact splicing.

Color Diagnostics, LLC DBA Color Health
Classification: Likely benign for Hereditary cancer-predisposing syndrome. Last evaluated: 2019-06-04. Review status: criteria provided, single submitter. Criteria: ACMG Guidelines, 2015. Collection method: clinical testing. Allele origin: germline.

Ambry Genetics
Classification: Likely benign for Hereditary cancer-predisposing syndrome. Last evaluated: 2016-03-21. Review status: criteria provided, single submitter. Criteria: Ambry Variant Classification Scheme 2023. Collection method: clinical testing. Allele origin: germline.